The following is an entry in ClinVar:

NM_001205293.3(CACNA1E):c.499G>A (p.Val167Met)

Gene: CACNA1E (calcium voltage-gated channel subunit alpha1 E; plus strand). Cytogenetic location: 1q25.3.
Variant type: single nucleotide variant.
Coding change: c.499G>A on transcript NM_001205293.3 (MANE Select); coding-DNA position 499, G replaced by A.
Protein change: p.Val167Met; replaces valine 167 with methionine.
Molecular consequence: missense variant.
Genome position (GRCh38, 1-based): chr1:181,511,497, G>A. VCF-style: chr1-181511497-G-A. GRCh37 (hg19) VCF-style: chr1-181480633-G-A.
Other names: c.499G>A, p.Val167Met (NM_000721.4, NM_001205294.2); short protein forms V167M.
Identifiers: ClinVar variation 982596 (VCV000982596.3), dbSNP rs1666159827, ClinGen allele CA343846389.

ClinVar aggregate classification (germline): Uncertain significance. Review status: criteria provided, multiple submitters, no conflicts (2 of 4 stars). 2 submissions from 2 submitters: Uncertain significance (2). Last evaluated 2024-03-13.

Conditions:
Developmental and epileptic encephalopathy, 69. Also called: EPILEPTIC ENCEPHALOPATHY, EARLY INFANTILE, 69. Identifiers: MedGen C4748988, MONDO:0032657, OMIM 618285.

Submissions (2):

Labcorp Genetics (formerly Invitae), Labcorp
Classification: Uncertain significance. Last evaluated: 2024-03-13. Review status: criteria provided, single submitter. Criteria: Invitae Variant Classification Sherloc (09022015). Collection method: clinical testing. Allele origin: germline.
Comment: This sequence change replaces valine, which is neutral and non-polar, with methionine, which is neutral and non-polar, at codon 167 of the CACNA1E protein (p.Val167Met). This variant is not present in population databases (gnomAD no frequency). This variant has not been reported in the literature in individuals affected with CACNA1E-related conditions. ClinVar contains an entry for this variant (Variation ID: 982596). Advanced modeling of protein sequence and biophysical properties (such as structural, functional, and spatial information, amino acid conservation, physicochemical variation, residue mobility, and thermodynamic stability) performed at Invitae indicates that this missense variant is expected to disrupt CACNA1E protein function with a positive predictive value of 80%. In summary, the available evidence is currently insufficient to determine the role of this variant in disease. Therefore, it has been classified as a Variant of Uncertain Significance.

Institute of Human Genetics, University of Leipzig Medical Center
Classification: Uncertain significance for Developmental and epileptic encephalopathy, 69. Last evaluated: 2019-01-01. Review status: criteria provided, single submitter. Criteria: ACMG Guidelines, 2015. Collection method: clinical testing. Allele origin: de novo. Affected: yes.
Comment: This variant was identified as de novo.